The following is an entry in ClinVar:

NC_000011.9:g.(?_22301070)_(22301311_?)dup

Gene: ANO5 (anoctamin 5; plus strand). Cytogenetic location: 11p14.3.
Variant type: Duplication.
Identifiers: ClinVar variation 3244654 (VCV003244654.1).

ClinVar aggregate classification (germline): Uncertain significance (1 of 4 stars; one submission).

Conditions:
Autosomal recessive limb-girdle muscular dystrophy type 2L (LGMDR12). Also called: Limb-girdle muscular dystrophy, type 2L; MUSCULAR DYSTROPHY, LIMB-GIRDLE, AUTOSOMAL RECESSIVE 12; Limb-Girdle Muscular Dystrophy R12 Anoctamin-5-Related (LGMD-R12). Identifiers: Orphanet 206549, MedGen C1969785, MONDO:0012652, OMIM 611307.
Gnathodiaphyseal dysplasia (GDD). Also called: GNATHODIAPHYSEAL SCLEROSIS; OSTEOGENESIS IMPERFECTA WITH UNUSUAL SKELETAL LESIONS. Identifiers: Orphanet 53697, MedGen C1833736, MONDO:0008151, OMIM 166260.

Submission:

Labcorp Genetics (formerly Invitae), Labcorp
Classification: Uncertain significance for Autosomal recessive limb-girdle muscular dystrophy type 2L; Gnathodiaphyseal dysplasia. Last evaluated: 2023-07-29. Review status: criteria provided, single submitter. Criteria: Invitae Variant Classification Sherloc (09022015). Collection method: clinical testing. Allele origin: unknown.
Comment: In summary, the available evidence is currently insufficient to determine the role of this variant in disease. Therefore, it has been classified as a Variant of Uncertain Significance. This variant has not been reported in the literature in individuals affected with ANO5-related conditions. This variant results in a copy number gain of the genomic region encompassing exon(s) 22 of the ANO5 gene. This region includes the termination codon of the gene. This copy number gain extends beyond the assayed region for this gene and therefore may encompass additional genes. As the precise location of this event is unknown, it may be in tandem or it may be located elsewhere in the genome.